The following is an entry in ClinVar:

NM_000059.4(BRCA2):c.6780_6782del (p.Glu2261del)

Gene: BRCA2 (BRCA2 DNA repair associated; plus strand). Cytogenetic location: 13q13.1.
Variant type: Deletion.
Coding change: c.6780_6782del on transcript NM_000059.4 (MANE Select); coding-DNA positions 6780 to 6782, 3 bases deleted (GGA; older notation c.6780_6782delGGA).
Protein change: p.Glu2261del; deletes glutamic acid 2261.
Molecular consequence: inframe deletion.
Genome position (GRCh38, 1-based): chr13:32,341,135-32,341,137, GGA deleted; deleting any 3 consecutive bases within chr13:32,341,133-32,341,137 gives the same sequence; the c. name uses the placement nearest the transcript's 3' end. VCF-style (leftmost placement, unchanged base first): chr13-32341132-TGAG-T. GRCh37 (hg19) VCF-style: chr13-32915269-TGAG-T.
Other names: c.6780_6782delGGA (NM_000059.3); short protein forms E2261del.
Identifiers: ClinVar variation 1493030 (VCV001493030.11), dbSNP rs1254573337, ClinGen allele CA609086259.
Genomic context (GRCh38, chr13:32,341,132, plus strand): 5'-ACTGACAGATTCTAAACTGCCAAGTCATGCCACACATTCTCTTTTTACATGTCCCGAAAA[TGAG>T]GAAATGGTTTTGTCAAATTCAAGAATTGGAAAAAGAAGAGGAGAGCCCCTTATCTTAGTG-3'

ClinVar aggregate classification (germline): Uncertain significance. Review status: criteria provided, multiple submitters, no conflicts (2 of 4 stars). 2 submissions from 2 submitters: Uncertain significance (2). Last evaluated 2025-12-17.

Conditions:
Hereditary cancer-predisposing syndrome. Also called: Neoplastic Syndromes, Hereditary; Tumor predisposition; Hereditary Cancer Syndrome; Hereditary neoplastic syndrome. Identifiers: Orphanet 140162, MedGen C0027672, MeSH D009386, MONDO:0015356.
Hereditary breast ovarian cancer syndrome. Also called: Hereditary breast and ovarian cancer syndrome (HBOC); Hereditary breast and ovarian cancer; Breast and ovarian cancer; Hereditary breast and/or ovarian cancer syndrome; BRCA1- and BRCA2-Associated Hereditary Breast and Ovarian Cancer; Hereditary breast and ovarian cancer syndrome. Identifiers: Orphanet 145, MedGen C0677776, MeSH D061325, MONDO:0003582. Disease mechanism: loss of function.

Submissions (2):

Ambry Genetics
Classification: Uncertain significance for Hereditary cancer-predisposing syndrome. Last evaluated: 2025-12-17. Review status: criteria provided, single submitter. Criteria: Ambry Variant Classification Scheme 2023. Collection method: clinical testing. Allele origin: germline.
Comment: The c.6780_6782delGGA variant (also known as p.E2261del) is located in coding exon 10 of the BRCA2 gene. This variant results from an in-frame GGA deletion at nucleotide positions 6780 to 6782. This results in the in-frame deletion of a glutamic acid at codon 2261. This amino acid position is not well conserved in available vertebrate species. In addition, this alteration is predicted to be neutral by in silico analysis (Choi Y et al. PLoS ONE. 2012; 7(10):e46688). Since supporting evidence is limited at this time, the clinical significance of this alteration remains unclear.

Labcorp Genetics (formerly Invitae), Labcorp
Classification: Uncertain significance for Hereditary breast ovarian cancer syndrome. Last evaluated: 2022-02-11. Review status: criteria provided, single submitter. Criteria: Invitae Variant Classification Sherloc (09022015). Collection method: clinical testing. Allele origin: germline.
Comment: In summary, the available evidence is currently insufficient to determine the role of this variant in disease. Therefore, it has been classified as a Variant of Uncertain Significance. Experimental studies and prediction algorithms are not available or were not evaluated, and the functional significance of this variant is currently unknown. This variant has not been reported in the literature in individuals affected with BRCA2-related conditions. This variant is present in population databases (no rsID available, gnomAD 0.006%). This variant, c.6780_6782del, results in the deletion of 1 amino acid(s) of the BRCA2 protein (p.Glu2261del), but otherwise preserves the integrity of the reading frame.